The following is an entry in ClinVar:

ClinVar aggregate classification (germline): Uncertain significance. Review status: criteria provided, multiple submitters, no conflicts (2 of 4 stars). 3 submissions from 3 submitters: Uncertain significance (3). Last evaluated 2024-08-22.

Conditions:
Hereditary cancer-predisposing syndrome. Also called: Hereditary neoplastic syndrome; Neoplastic Syndromes, Hereditary; Tumor predisposition; Hereditary Cancer Syndrome. Identifiers: Orphanet 140162, MedGen C0027672, MeSH D009386, MONDO:0015356.
Melanoma and neural system tumor syndrome. Also called: MELANOMA-ASTROCYTOMA SYNDROME. Identifiers: Orphanet 252206, MedGen C1835042, MONDO:0007967, OMIM 155755.

gnomAD v4.1: 1 of 1,604,588 alleles (0.000062%); highest among the groups gnomAD compares: Non-Finnish European, 0.000085%; no homozygotes.

Submissions (3):

Ambry Genetics
Classification: Uncertain significance for Hereditary cancer-predisposing syndrome. Last evaluated: 2024-08-22. Review status: criteria provided, single submitter. Criteria: Ambry Variant Classification Scheme 2023. Collection method: clinical testing. Allele origin: germline.
Comment: The p.A86S variant (also known as c.256G>T), located in coding exon 2 of the CDKN2A gene, results from a G to T substitution at nucleotide position 256. The alanine at codon 86 is replaced by serine, an amino acid with similar properties. Of note, this variant is also known as p.C100F (c.299G>T) in the p14(ARF) isoform. This amino acid position is highly conserved in available vertebrate species. In addition, the in silico prediction for this alteration is inconclusive. Based on the available evidence, the clinical significance of this variant remains unclear.

Baylor Genetics
Classification: Uncertain significance for Melanoma and neural system tumor syndrome. Last evaluated: 2024-01-08. Review status: criteria provided, single submitter. Criteria: ACMG Guidelines, 2015. Collection method: clinical testing. Allele origin: unknown.

GeneDx
Classification: Uncertain significance. Last evaluated: 2023-08-14. Review status: criteria provided, single submitter. Criteria: GeneDx Variant Classification Process June 2021. Collection method: clinical testing. Allele origin: germline. Affected: yes.
Comment: Not observed at significant frequency in large population cohorts (gnomAD); In silico analysis supports that this missense variant has a deleterious effect on protein structure/function; Has not been previously published as pathogenic or benign to our knowledge; This variant is associated with the following publications: (PMID: 29316957)

Literature cited by the submitters: PubMed 29316957 (cited by Ambry Genetics).

NM_000077.5(CDKN2A):c.256G>T (p.Ala86Ser)

Gene: CDKN2A (cyclin dependent kinase inhibitor 2A; minus strand). Cytogenetic location: 9p21.3.
Variant type: single nucleotide variant.
Coding change: c.256G>T on transcript NM_000077.5; coding-DNA position 256, G replaced by T.
Protein change: p.Ala86Ser; replaces alanine 86 with serine.
Molecular consequence: missense variant (on NM_000077.6). On other transcripts: 3 prime UTR variant (1).
Genome position (GRCh38, 1-based): chr9:21,971,103, C>A on the plus strand (G>T on the coding strand, the complement: CDKN2A is on the minus strand). VCF-style: chr9-21971103-C-A. GRCh37 (hg19) VCF-style: chr9-21971102-C-A.
Other names: c.256G>T, p.Ala86Ser (NM_000077.6, NM_001195132.2); c.103G>T, p.Ala35Ser (NM_001363763.2); c.299G>T, p.Cys100Phe (NM_058195.4); c.*179G>T (NM_058197.5); short protein forms C100F, A35S, A86S.
Identifiers: ClinVar variation 1793230 (VCV001793230.5), dbSNP rs1190283873, ClinGen allele CA373086219.